The following is an entry in ClinVar:

ClinVar aggregate classification (germline): Uncertain significance (1 of 4 stars; one submission).

Allele frequency attached by ClinVar (database versions not stated): gnomAD exomes below 0.00001.
gnomAD v4.1: 1 of 1,613,368 alleles (0.000062%); no homozygotes.

Submission:

Labcorp Genetics (formerly Invitae), Labcorp
Classification: Uncertain significance. Last evaluated: 2023-05-23. Review status: criteria provided, single submitter. Criteria: Invitae Variant Classification Sherloc (09022015). Collection method: clinical testing. Allele origin: germline.
Comment: ClinVar contains an entry for this variant (Variation ID: 1916756). Algorithms developed to predict the effect of missense changes on protein structure and function output the following: SIFT: "Not Available"; PolyPhen-2: "Benign"; Align-GVGD: "Not Available". The arginine amino acid residue is found in multiple mammalian species, which suggests that this missense change does not adversely affect protein function. In summary, the available evidence is currently insufficient to determine the role of this variant in disease. Therefore, it has been classified as a Variant of Uncertain Significance. This variant has not been reported in the literature in individuals affected with LAMA3-related conditions. This sequence change replaces glutamine, which is neutral and polar, with arginine, which is basic and polar, at codon 1232 of the LAMA3 protein (p.Gln1232Arg). This variant is not present in population databases (gnomAD no frequency).

NM_198129.4(LAMA3):c.8522A>G (p.Gln2841Arg)

Gene: LAMA3 (laminin subunit alpha 3; plus strand). Cytogenetic location: 18q11.2.
Variant type: single nucleotide variant.
Coding change: c.8522A>G on transcript NM_198129.4 (MANE Select); coding-DNA position 8522, A replaced by G.
Protein change: p.Gln2841Arg; replaces glutamine 2841 with arginine.
Molecular consequence: missense variant.
Genome position (GRCh38, 1-based): chr18:23,931,147, A>G. VCF-style: chr18-23931147-A-G. GRCh37 (hg19) VCF-style: chr18-21511111-A-G.
Other names: c.3695A>G, p.Gln1232Arg (NM_000227.6); c.8354A>G, p.Gln2785Arg (NM_001127717.4); c.3527A>G, p.Gln1176Arg (NM_001127718.4); short protein forms Q1232R, Q2841R, Q1176R, Q2785R.
Identifiers: ClinVar variation 1916756 (VCV001916756.5), dbSNP rs2511560427, ClinGen allele CA402064852.
Genomic context (GRCh38, chr18:23,931,147, plus strand): 5'-AAGATGGTTACATTGAATTGAGCACCAGCGATAGCGGCGGCCCAATTTTTAAATCTCCAC[A>G]GACGTATATGGATGGTTTACTGCATTATGTATCTGTAATAAGCGACAACTCTGGGTGAGT-3'
Protein context (NP_937762.2, residues 2831-2851): DSGGPIFKSP[Gln2841Arg]TYMDGLLHYV